The following is an entry in ClinVar:

NM_021922.3(FANCE):c.653A>G (p.Lys218Arg)

Gene: FANCE (FA complementation group E; plus strand). Cytogenetic location: 6p21.31.
Variant type: single nucleotide variant.
Coding change: c.653A>G on transcript NM_021922.3 (MANE Select); coding-DNA position 653, A replaced by G.
Protein change: p.Lys218Arg; replaces lysine 218 with arginine.
Molecular consequence: missense variant.
Genome position (GRCh38, 1-based): chr6:35,456,151, A>G. VCF-style: chr6-35456151-A-G. GRCh37 (hg19) VCF-style: chr6-35423928-A-G.
Other names: short protein forms K218R.
Identifiers: ClinVar variation 1367807 (VCV001367807.8), dbSNP rs148638909, ClinGen allele CA3771458.
Genomic context (GRCh38, chr6:35,456,151, plus strand): 5'-GGAAACGCAGAAAGGACTCAGAGGAAGAGGCTGCCAGTCCTGAGGGGAAGAGGGTCCCCA[A>G]AAGATTACGGTGTTGGGAAGAGGAAGAAGATCATGAGAAGGAGAGACCCGAACATAAGTC-3'
Protein context (NP_068741.1, residues 208-228): AASPEGKRVP[Lys218Arg]RLRCWEEEED

ClinVar aggregate classification (germline): Uncertain significance. Review status: criteria provided, multiple submitters, no conflicts (2 of 4 stars). 2 submissions from 2 submitters: Uncertain significance (2). Last evaluated 2025-08-03.

Conditions:
Fanconi anemia complementation group E (FANCE). Also called: FANCE-Related Fanconi Anemia. Identifiers: Orphanet 84, MedGen C3160739, MONDO:0010953, OMIM 600901.

Allele frequency attached by ClinVar (database versions not stated): gnomAD exomes below 0.00001 and 0.00004; ExAC 0.00002; ESP Exome Variant Server 0.00008; gnomAD 0.00011 and 0.00013; TOPMed 0.00014.
gnomAD v4.1: 22 of 1,614,042 alleles (0.0014%); highest among the groups gnomAD compares: African/African-American, 0.027%; no homozygotes.

Submissions (2):

Labcorp Genetics (formerly Invitae), Labcorp
Classification: Uncertain significance for Fanconi anemia complementation group E. Last evaluated: 2025-08-03. Review status: criteria provided, single submitter. Criteria: Invitae Variant Classification Sherloc (09022015). Collection method: clinical testing. Allele origin: germline.
Comment: This sequence change replaces lysine, which is basic and polar, with arginine, which is basic and polar, at codon 218 of the FANCE protein (p.Lys218Arg). This variant is present in population databases (rs148638909, gnomAD 0.03%). This variant has not been reported in the literature in individuals affected with FANCE-related conditions. ClinVar contains an entry for this variant (Variation ID: 1367807). Invitae Evidence Modeling of protein sequence and biophysical properties (such as structural, functional, and spatial information, amino acid conservation, physicochemical variation, residue mobility, and thermodynamic stability) indicates that this missense variant is expected to disrupt FANCE protein function with a positive predictive value of 80%. In summary, the available evidence is currently insufficient to determine the role of this variant in disease. Therefore, it has been classified as a Variant of Uncertain Significance.

Fulgent Genetics
Classification: Uncertain significance for Fanconi anemia complementation group E. Last evaluated: 2024-05-11. Review status: criteria provided, single submitter. Criteria: ACMG Guidelines, 2015. Collection method: clinical testing. Allele origin: germline.